The following is an entry in ClinVar:

ClinVar aggregate classification (germline): Uncertain significance. Review status: criteria provided, single submitter (1 of 4 stars). 2 submissions from 2 submitters: Uncertain significance (1). 1 of the submissions does not count toward it. Last evaluated 2024-08-01.

Conditions:
DIP2A-related disorder. Also called: DIP2A-related condition.

Allele frequency attached by ClinVar (database versions not stated): TOPMed 0.00044; gnomAD 0.00048; 1000 Genomes Project 0.00060; 1000 Genomes Project 30x 0.00062; ESP Exome Variant Server 0.00082.
gnomAD v4.1: 843 of 1,612,782 alleles (0.052%); highest among the groups gnomAD compares: Middle Eastern, 0.53%; 2 homozygotes.

Submissions (2):

Ambry Genetics
Classification: Uncertain significance. Last evaluated: 2024-08-01. Review status: criteria provided, single submitter. Criteria: Ambry Variant Classification Scheme 2023. Collection method: clinical testing. Allele origin: germline.

PreventionGenetics, part of Exact Sciences
Classification: Likely benign for DIP2A-related condition. Last evaluated: 2022-08-29. Review status: no assertion criteria provided. Collection method: clinical testing. Allele origin: germline. Not counted in ClinVar's aggregate classification.
Comment: This variant is classified as likely benign based on ACMG/AMP sequence variant interpretation guidelines (Richards et al. 2015 PMID: 25741868, with internal and published modifications).

NM_015151.4(DIP2A):c.998C>T (p.Pro333Leu)

Gene: DIP2A (disco interacting protein 2 homolog A; plus strand). Cytogenetic location: 21q22.3.
Variant type: single nucleotide variant.
Coding change: c.998C>T on transcript NM_015151.4 (MANE Select); coding-DNA position 998, C replaced by T.
Protein change: p.Pro333Leu; replaces proline 333 with leucine.
Molecular consequence: missense variant.
Genome position (GRCh38, 1-based): chr21:46,511,510, C>T. VCF-style: chr21-46511510-C-T. GRCh37 (hg19) VCF-style: chr21-47931423-C-T.
Other names: c.869C>T, p.Pro290Leu (NM_001146115.2); c.986C>T, p.Pro329Leu (NM_001146116.2); c.1001C>T, p.Pro334Leu (NM_001353942.2); c.998C>T, p.Pro333Leu (NM_001353943.2, NM_001410751.1, NM_206889.3 and 2 more transcripts); c.749C>T, p.Pro250Leu (NM_001353944.2); short protein forms P250L, P290L, P329L, P333L, P334L.
Identifiers: ClinVar variation 3043705 (VCV003043705.4), dbSNP rs201955611, ClinGen allele CA10081886.